The following is an entry in ClinVar:

NM_000558.5(HBA1):c.46G>T (p.Gly16Cys)

Genes: HBA1 (hemoglobin subunit alpha 1; plus strand), LOC106804613 (hemoglobin subunit alpha 1 recombination region; plus strand). Cytogenetic location: 16p13.3.
Variant type: single nucleotide variant.
Coding change: c.46G>T on transcript NM_000558.5 (MANE Select); coding-DNA position 46, G replaced by T.
Protein change: p.Gly16Cys; replaces glycine 16 with cysteine.
Molecular consequence: missense variant.
Genome position (GRCh38, 1-based): chr16:176,762, G>T. VCF-style: chr16-176762-G-T. GRCh37 (hg19) VCF-style: chr16-226761-G-T.
Other names: short protein forms G16C.
Identifiers: ClinVar variation 3251880 (VCV003251880.1), dbSNP rs35816645.

ClinVar aggregate classification (germline): Uncertain significance (1 of 4 stars; one submission).

Submission:

Women's Health and Genetics/Laboratory Corporation of America, LabCorp
Classification: Uncertain significance. Last evaluated: 2024-04-18. Review status: criteria provided, single submitter. Criteria: LabCorp Variant Classification Summary - May 2015. Collection method: clinical testing. Allele origin: germline.
Comment: Variant summary: HBA1 c.46G>T (p.Gly16Cys) results in a non-conservative amino acid change in the encoded protein sequence. Three of five in-silico tools predict a damaging effect of the variant on protein function. The variant allele was found at a frequency of 6e-06 in 166306 control chromosomes (gnomAD). The available data on variant occurrences in the general population are insufficient to allow any conclusion about variant significance. To our knowledge, no occurrence of c.46G>T in individuals affected with Alpha Thalassemia and no experimental evidence demonstrating its impact on protein function have been reported. No submitters have cited clinical-significance assessments for this variant to ClinVar. Based on the evidence outlined above, the variant was classified as uncertain significance.